The following is an entry in ClinVar:

NM_000458.4(HNF1B):c.742C>T (p.Gln248Ter)

Genes: HNF1B (HNF1 homeobox B; minus strand), LOC126862549 (BRD4-independent group 4 enhancer GRCh37_chr17:36093401-36094600; plus strand). Cytogenetic location: 17q12.
Variant type: single nucleotide variant.
Coding change: c.742C>T on transcript NM_000458.4 (MANE Select); coding-DNA position 742, C replaced by T.
Protein change: p.Gln248Ter; replaces glutamine 248 with a stop codon.
Molecular consequence: nonsense.
Genome position (GRCh38, 1-based): chr17:37,733,624, G>A on the plus strand (C>T on the coding strand, the complement: HNF1B is on the minus strand). VCF-style: chr17-37733624-G-A. GRCh37 (hg19) VCF-style: chr17-36093617-G-A.
Other names: c.664C>T, p.Gln222Ter (NM_001165923.4, NM_001304286.2); short protein forms Q248*, Q222*.
Identifiers: ClinVar variation 635653 (VCV000635653.3), dbSNP rs2511808834, ClinGen allele CA398748330.

ClinVar aggregate classification (germline): Pathogenic. Review status: criteria provided, single submitter (1 of 4 stars). 3 submissions from 3 submitters: Pathogenic (1). 2 of the submissions do not count toward it. Last evaluated 2019-07-06.

Conditions:
Renal cysts and diabetes syndrome (RCAD). Also called: Familial hypoplastic, glomerulocystic kidney; MATURITY-ONSET DIABETES OF THE YOUNG, TYPE 5. Identifiers: Orphanet 93111, MedGen C0431693, MONDO:0007669, OMIM 137920.

Submissions (3):

Institute of Human Genetics, FAU Erlangen, Friedrich-Alexander-Universität Erlangen-Nürnberg
Classification: Pathogenic for Renal cysts and diabetes syndrome. Last evaluated: 2019-07-06. Review status: criteria provided, single submitter. Criteria: ACMG Guidelines, 2015. Collection method: literature only. Allele origin: germline. Affected: yes.
Comment: This variant and it's classification has been reported by Vasileiou et al. 2019; DOI:10.1101/576918. The variants has previously been reported in PMID:25754277 as "NM_000458:c.742C>T Q248X" with clinical significance Pathogenic. It has been re-classified using InterVar and manual curation as Pathogenic based on PVS1 PM2 PP3.

Gharavi Laboratory, Columbia University
Classification: Pathogenic for Renal cysts and diabetes syndrome. Last evaluated: 2024-11-05. Review status: no assertion criteria provided. Criteria: ACMG Guidelines, 2015. Collection method: case-control. Allele origin: germline. Affected: yes. Not counted in ClinVar's aggregate classification.

Genomics And Bioinformatics Analysis Resource, Columbia University
Classification: Pathogenic for Renal cysts and diabetes syndrome. Review status: no assertion criteria provided. Collection method: research. Allele origin: unknown. Affected: yes. Not counted in ClinVar's aggregate classification.

Literature cited by the submitters: PubMed 25754277 (cited by Institute of Human Genetics, FAU Erlangen, Friedrich-Alexander-Universität Erlangen-Nürnberg); DOI 10.1101/576918 (cited by Institute of Human Genetics, FAU Erlangen, Friedrich-Alexander-Universität Erlangen-Nürnberg).